The following is an entry in ClinVar:

NM_006158.5(NEFL):c.1544AAG[1] (p.Glu516del)

Gene: NEFL (neurofilament light chain; minus strand). Cytogenetic location: 8p21.2.
Variant type: Microsatellite.
Coding change: c.1544AAG[1] on transcript NM_006158.5 (MANE Select); one copy of the 3-base unit AAG starting at c.1544; the reference has two copies in a row; one copy, 3 bases deleted.
Protein change: p.Glu516del; deletes glutamic acid 516.
Molecular consequence: inframe deletion.
Genome position (GRCh38, 1-based): chr8:24,952,893-24,952,895, CTT deleted on the plus strand (AAG on the coding strand, the reverse complement: NEFL is on the minus strand); deleting any 3 consecutive bases within chr8:24,952,893-24,952,899 gives the same sequence; the position shown is the placement nearest the transcript's 3' end. VCF-style (leftmost placement, unchanged base first): chr8-24952892-CCTT-C. GRCh37 (hg19) VCF-style: chr8-24810405-CCTT-C.
Other names: short protein forms E516del.
Identifiers: ClinVar variation 1026551 (VCV001026551.5), dbSNP rs758240691, ClinGen allele CA4681236.

ClinVar aggregate classification (germline): Uncertain significance (1 of 4 stars; one submission).

Conditions:
Charcot-Marie-Tooth disease type 2E (CMT2E). Also called: CHARCOT-MARIE-TOOTH NEUROPATHY, TYPE 2E; CHARCOT-MARIE-TOOTH DISEASE, AXONAL, TYPE 2E. Identifiers: Orphanet 99939, MedGen C1843225, MONDO:0011894, OMIM 607684.

Submission:

Labcorp Genetics (formerly Invitae), Labcorp
Classification: Uncertain significance for Charcot-Marie-Tooth disease type 2E. Last evaluated: 2025-09-16. Review status: criteria provided, single submitter. Criteria: Invitae Variant Classification Sherloc (09022015). Collection method: clinical testing. Allele origin: germline.
Comment: This variant, c.1547_1549del, results in the deletion of 1 amino acid(s) of the NEFL protein (p.Glu516del), but otherwise preserves the integrity of the reading frame. This variant is present in population databases (rs758240691, gnomAD 0.006%). This variant has not been reported in the literature in individuals affected with NEFL-related conditions. Experimental studies and prediction algorithms are not available or were not evaluated, and the functional significance of this variant is currently unknown. In summary, the available evidence is currently insufficient to determine the role of this variant in disease. Therefore, it has been classified as a Variant of Uncertain Significance.